The following is an entry in ClinVar:

ClinVar aggregate classification (germline): Uncertain significance (1 of 4 stars; one submission).

Conditions:
Cardiovascular phenotype. Identifiers: MedGen CN230736.

Submission:

Ambry Genetics
Classification: Uncertain significance for Cardiovascular phenotype. Last evaluated: 2025-12-01. Review status: criteria provided, single submitter. Criteria: Ambry Variant Classification Scheme 2023. Collection method: clinical testing. Allele origin: germline.
Comment: The p.E21D variant (also known as c.63G>C), located in coding exon 1 of the CAV3 gene, results from a G to C substitution at nucleotide position 63. The glutamic acid at codon 21 is replaced by aspartic acid, an amino acid with highly similar properties. This amino acid position is conserved. In addition, the in silico prediction for this alteration is inconclusive. Based on the available evidence, the clinical significance of this variant remains unclear.

NM_033337.3(CAV3):c.63G>C (p.Glu21Asp)

Gene: CAV3 (caveolin 3; plus strand). Cytogenetic location: 3p25.3.
Variant type: single nucleotide variant.
Coding change: c.63G>C on transcript NM_033337.3 (MANE Select); coding-DNA position 63, G replaced by C.
Protein change: p.Glu21Asp; replaces glutamic acid 21 with aspartic acid.
Molecular consequence: missense variant.
Genome position (GRCh38, 1-based): chr3:8,733,939, G>C. VCF-style: chr3-8733939-G-C. GRCh37 (hg19) VCF-style: chr3-8775625-G-C.
Other names: c.63G>C, p.Glu21Asp (NM_001234.5); short protein forms E21D.
Identifiers: ClinVar variation 4613808 (VCV004613808.1).
Genomic context (GRCh38, chr3:8,733,939, plus strand): 5'-GATGGCAGAAGAGCACACAGATCTCGAGGCCCAGATCGTCAAGGATATCCACTGCAAGGA[G>C]ATTGACCTGGTGAACCGAGACCCCAAGAACATTAACGAGGACATAGTCAAGGTAGGCTCT-3'
Protein context (NP_203123.1, residues 11-31): AQIVKDIHCK[Glu21Asp]IDLVNRDPKN